The following is an entry in ClinVar:

NM_033109.5(PNPT1):c.40C>T (p.Arg14Trp)

Gene: PNPT1 (polyribonucleotide nucleotidyltransferase 1; minus strand). Cytogenetic location: 2p16.1.
Variant type: single nucleotide variant.
Coding change: c.40C>T on transcript NM_033109.5 (MANE Select); coding-DNA position 40, C replaced by T.
Protein change: p.Arg14Trp; replaces arginine 14 with tryptophan.
Molecular consequence: missense variant.
Genome position (GRCh38, 1-based): chr2:55,693,784, G>A on the plus strand (C>T on the coding strand, the complement: PNPT1 is on the minus strand). VCF-style: chr2-55693784-G-A. GRCh37 (hg19) VCF-style: chr2-55920919-G-A.
Other names: c.40C>T (NM_033109.3); short protein forms R14W.
Identifiers: ClinVar variation 1342762 (VCV001342762.29), dbSNP rs199712282, ClinGen allele CA1668648.

ClinVar aggregate classification (germline): Conflicting classifications of pathogenicity. Review status: criteria provided, conflicting classifications (1 of 4 stars). 7 submissions from 7 submitters: Uncertain significance (6); Likely benign (1). Last evaluated 2026-09-10.

Conditions:
Spinocerebellar ataxia type 25. Identifiers: Orphanet 101111, MedGen C1837518, MONDO:0012103, OMIM 608703.
Combined oxidative phosphorylation defect type 13. Also called: Combined oxidative phosphorylation deficiency 13. Identifiers: Orphanet 319514, MedGen C4706283, MONDO:0013977, OMIM 614932.
Autosomal recessive nonsyndromic hearing loss 70. Also called: Deafness, autosomal recessive 70. Identifiers: Orphanet 90636, MedGen C1824925, MONDO:0013978, OMIM 614934.
PNPT1-related disorder. Also called: PNPT1-related condition; PNPT1-related disorders.
Inborn genetic diseases. Identifiers: MedGen C0950123, MeSH D030342.

Allele frequency attached by ClinVar (database versions not stated): ESP Exome Variant Server 0.00008; TOPMed 0.00008; ExAC 0.00010; gnomAD exomes 0.00010.
gnomAD v4.1: 107 of 1,613,912 alleles (0.0066%); highest among the groups gnomAD compares: Admixed American, 0.033%; no homozygotes.

Submissions (7):

Ambry Genetics
Classification: Uncertain significance for Inborn genetic diseases. Last evaluated: 2026-09-10. Review status: criteria provided, single submitter. Criteria: Ambry Variant Classification Scheme 2023. Collection method: clinical testing. Allele origin: germline.
Comment: The c.40C>T (p.R14W) alteration is located in exon 1 (coding exon 1) of the PNPT1 gene. This alteration results from a C to T substitution at nucleotide position 40, causing the arginine (R) at amino acid position 14 to be replaced by a tryptophan (W). Based on data from gnomAD, the T allele has an overall frequency of 0.01% (27/282176) total alleles studied. The highest observed frequency was 0.042% (3/7214) of Other alleles. Based on insufficient or conflicting evidence, the clinical significance of this alteration remains unclear.

GeneDx
Classification: Uncertain significance. Last evaluated: 2025-11-25. Review status: criteria provided, single submitter. Criteria: GeneDx Variant Classification Process June 2021. Collection method: clinical testing. Allele origin: germline. Affected: yes.
Comment: In silico analysis suggests that this missense variant does not alter protein structure/function; Has not been previously published as pathogenic or benign to our knowledge

Labcorp Genetics (formerly Invitae), Labcorp
Classification: Likely benign. Last evaluated: 2025-06-04. Review status: criteria provided, single submitter. Criteria: Invitae Variant Classification Sherloc (09022015). Collection method: clinical testing. Allele origin: germline.

PreventionGenetics, part of Exact Sciences
Classification: Uncertain significance for PNPT1-related condition. Last evaluated: 2024-12-18. Review status: criteria provided, single submitter. Criteria: ACMG Guidelines, 2015. Collection method: clinical testing. Allele origin: germline.
Comment: The PNPT1 c.40C>T variant is predicted to result in the amino acid substitution p.Arg14Trp. To our knowledge, this variant has not been reported in the literature. This variant is reported in 0.028% of alleles in individuals of Latino descent in gnomAD. At this time, the clinical significance of this variant is uncertain due to the absence of conclusive functional and genetic evidence.

CeGaT Center for Human Genetics Tuebingen
Classification: Uncertain significance. Last evaluated: 2024-09-01. Review status: criteria provided, single submitter. Criteria: CeGaT Center For Human Genetics Tuebingen Variant Classification Criteria Version 2. Collection method: clinical testing. Allele origin: germline. Affected: yes. Observed: 1 variant allele.

Blueprint Genetics
Classification: Uncertain significance. Last evaluated: 2024-01-15. Review status: criteria provided, single submitter. Criteria: ACMG Guidelines, 2015. Collection method: clinical testing. Allele origin: germline.

Department of Pathology and Laboratory Medicine, Sinai Health System
Classification: Uncertain significance for Spinocerebellar ataxia type 25; Combined oxidative phosphorylation defect type 13; Autosomal recessive nonsyndromic hearing loss 70. Last evaluated: 2021-07-30. Review status: criteria provided, single submitter. Criteria: ACMG Guidelines, 2015. Collection method: research. Allele origin: germline.